The following is an entry in ClinVar:

ClinVar aggregate classification (germline): Benign. Review status: criteria provided, multiple submitters, no conflicts (2 of 4 stars). 2 submissions from 2 submitters: Benign (2). Last evaluated 2019-12-31.

Conditions:
Gaze palsy, familial horizontal, with progressive scoliosis 1 (HGPPS1). Identifiers: Orphanet 2744, MedGen C4551964, MONDO:0020790, OMIM 607313.

Allele frequency attached by ClinVar (database versions not stated): gnomAD 0.00013; 1000 Genomes Project 30x 0.00031; 1000 Genomes Project 0.00020; TOPMed 0.00061; ExAC 0.00086.
gnomAD v4.1: 330 of 1,561,922 alleles (0.021%); highest among the groups gnomAD compares: Admixed American, 0.57%; 7 homozygotes.

Submissions (2):

Labcorp Genetics (formerly Invitae), Labcorp
Classification: Benign. Last evaluated: 2019-12-31. Review status: criteria provided, single submitter. Criteria: Invitae Variant Classification Sherloc (09022015). Collection method: clinical testing. Allele origin: germline.

Illumina Laboratory Services, Illumina
Classification: Benign for Gaze palsy, familial horizontal, with progressive scoliosis 1. Last evaluated: 2018-01-13. Review status: criteria provided, single submitter. Criteria: ICSL Variant Classification Criteria 13 December 2019. Collection method: clinical testing. Allele origin: germline.
Comment: This variant was observed in the ICSL laboratory as part of a predisposition screen in an ostensibly healthy population. It had not been previously curated by ICSL or reported in the Human Gene Mutation Database (HGMD: prior to June 1st, 2018), and was therefore a candidate for classification through an automated scoring system. Utilizing variant allele frequency, disease prevalence and penetrance estimates, and inheritance mode, an automated score was calculated to assess if this variant is too frequent to cause the disease. Based on the score and internal cut-off values, a variant classified as benign is not then subjected to further curation. The score for this variant resulted in a classification of benign for this disease.

NM_022370.4(ROBO3):c.567C>T (p.Pro189=)

Gene: ROBO3 (roundabout guidance receptor 3; plus strand). Cytogenetic location: 11q24.2.
Variant type: single nucleotide variant.
Coding change: c.567C>T on transcript NM_022370.4 (MANE Select); coding-DNA position 567, C replaced by T.
Protein change: p.Pro189=; no amino-acid change (proline 189 retained).
Molecular consequence: synonymous variant.
Genome position (GRCh38, 1-based): chr11:124,869,529, C>T. VCF-style: chr11-124869529-C-T. GRCh37 (hg19) VCF-style: chr11-124739425-C-T.
Identifiers: ClinVar variation 303223 (VCV000303223.9), dbSNP rs188191103, ClinGen allele CA6343219.